The following is an entry in ClinVar:

ClinVar aggregate classification (germline): Uncertain significance. Review status: criteria provided, multiple submitters, no conflicts (2 of 4 stars). 2 submissions from 2 submitters: Uncertain significance (2). Last evaluated 2026-01-19.

Conditions:
Inborn genetic diseases. Identifiers: MedGen C0950123, MeSH D030342.

gnomAD v4.1: 8 of 1,211,928 alleles (0.00066%); highest among the groups gnomAD compares: Non-Finnish European, 0.00089%; no homozygotes.

Submissions (2):

GeneDx
Classification: Uncertain significance. Last evaluated: 2026-01-19. Review status: criteria provided, single submitter. Criteria: GeneDx Variant Classification Process June 2021. Collection method: clinical testing. Allele origin: germline. Affected: yes.
Comment: Not observed in large population cohorts (gnomAD); In silico analysis supports that this missense variant does not alter protein structure/function; Has not been previously published as pathogenic or benign to our knowledge

Ambry Genetics
Classification: Uncertain significance for Inborn genetic diseases. Last evaluated: 2025-04-28. Review status: criteria provided, single submitter. Criteria: Ambry Variant Classification Scheme 2023. Collection method: clinical testing. Allele origin: germline.

NM_000489.6(ATRX):c.832A>G (p.Thr278Ala)

Gene: ATRX (ATRX chromatin remodeler; minus strand). Cytogenetic location: Xq21.1.
Variant type: single nucleotide variant.
Coding change: c.832A>G on transcript NM_000489.6 (MANE Select); coding-DNA position 832, A replaced by G.
Protein change: p.Thr278Ala; replaces threonine 278 with alanine.
Molecular consequence: missense variant.
Genome position (GRCh38, 1-based): chrX:77,684,424, T>C on the plus strand (A>G on the coding strand, the complement: ATRX is on the minus strand). VCF-style: chrX-77684424-T-C. GRCh37 (hg19) VCF-style: chrX-76939916-T-C.
Other names: c.718A>G, p.Thr240Ala (NM_138270.5); short protein forms T240A, T278A.
Identifiers: ClinVar variation 1315997 (VCV001315997.4), dbSNP rs2148636896, ClinGen allele CA413720550.